The following is an entry in ClinVar:

NM_018082.6(POLR3B):c.1615G>T (p.Val539Phe)

Gene: POLR3B (RNA polymerase III subunit B; plus strand). Cytogenetic location: 12q23.3.
Variant type: single nucleotide variant.
Coding change: c.1615G>T on transcript NM_018082.6 (MANE Select); coding-DNA position 1615, G replaced by T.
Protein change: p.Val539Phe; replaces valine 539 with phenylalanine.
Molecular consequence: missense variant.
Genome position (GRCh38, 1-based): chr12:106,432,468, G>T. VCF-style: chr12-106432468-G-T. GRCh37 (hg19) VCF-style: chr12-106826246-G-T.
Other names: NM_018082.6(POLR3B):c.1615G>T; p.Val539Phe; c.1441G>T, p.Val481Phe (NM_001160708.2); short protein forms V481F, V539F.
Identifiers: ClinVar variation 1191460 (VCV001191460.4), dbSNP rs1171962004, ClinGen allele CA386389985.
Genomic context (GRCh38, chr12:106,432,468, plus strand): 5'-GGAGTAGAAGATGTGAATTTATTATGTGGGGAAGAGCTCTCTTACCCAAATGTGTTTCTT[G>T]TCTTTCTTAATGGTGGGTATATTATAGAGACATGTTGGTCCTAGATAGTCTGTGAAGAGG-3'
Protein context (NP_060552.4, residues 529-549): EELSYPNVFL[Val539Phe]FLNGNILGVI

ClinVar aggregate classification (germline): Uncertain significance. Review status: criteria provided, multiple submitters, no conflicts (2 of 4 stars). 2 submissions from 2 submitters: Uncertain significance (2). Last evaluated 2022-02-24.

Conditions:
Leukodystrophy, hypomyelinating, 8, with or without oligodontia and/or hypogonadotropic hypogonadism. Also called: LEUKODYSTROPHY, HYPOMYELINATING, 8, WITH HYPODONTIA AND HYPOGONADOTROPIC HYPOGONADISM; Hypomyelinating leukodystrophy 8 with or without oligodontia and-or hypogonadotropic hypogonadism; Endosteal sclerosis-cerebellar hypoplasia syndrome. Identifiers: Orphanet 85186, Orphanet 88637, MedGen C3280644, MONDO:0013722, OMIM 614381.

Allele frequency attached by ClinVar (database versions not stated): gnomAD exomes below 0.00001 and 0.00001; gnomAD 0.00001.
gnomAD v4.1: 3 of 1,612,692 alleles (0.00019%); highest among the groups gnomAD compares: East Asian, 0.0067%; no homozygotes.

Submissions (2):

Broad Center for Mendelian Genomics, Broad Institute of MIT and Harvard
Classification: Uncertain significance for Leukodystrophy, hypomyelinating, 8, with or without oligodontia and/or hypogonadotropic hypogonadism. Last evaluated: 2022-02-24. Review status: criteria provided, single submitter. Criteria: ACMG Guidelines, 2015. Collection method: curation. Allele origin: germline. Inheritance: Autosomal recessive inheritance.
Comment: The p.Val539Phe variant in POLR3B has not been previously reported in the literature in individuals with 4H leukodystrophy but has been identified in 0.02% (3/19938) of East Asian chromosomes by the Genome Aggregation Database (gnomAD; dbSNP ID: rs1171962004). Although this variant has been seen in the general population in a heterozygous state, its frequency is not high enough to rule out a pathogenic role. Computational prediction tools and conservation analyses suggest that this variant may impact the protein, though this information is not predictive enough to determine pathogenicity. The number of missense variants reported in POLR3B in the general population is lower than expected, suggesting there is little benign variation in this gene and slightly increasing the possibility that a missense variant in this gene may not be tolerated. In summary, the clinical significance of the p.Val539Phe variant is uncertain. ACMG/AMP Criteria applied: PP2, PP3 (Richards 2015).

GeneDx
Classification: Uncertain significance. Last evaluated: 2019-12-31. Review status: criteria provided, single submitter. Criteria: GeneDx Variant Classification Process June 2021. Collection method: clinical testing. Allele origin: germline. Affected: yes.
Comment: Not observed at a significant frequency in large population cohorts (Lek et al., 2016); In silico analysis, which includes protein predictors and evolutionary conservation, supports a deleterious effect; Has not been previously published as pathogenic or benign to our knowledge; This variant is associated with the following publications: (PMID: 29141312)